The following is an entry in ClinVar:

NM_001370466.1(NOD2):c.919C>T (p.Arg307Trp)

Gene: NOD2 (nucleotide binding oligomerization domain containing 2; plus strand). Cytogenetic location: 16q12.1.
Variant type: single nucleotide variant.
Coding change: c.919C>T on transcript NM_001370466.1 (MANE Select); coding-DNA position 919, C replaced by T.
Protein change: p.Arg307Trp; replaces arginine 307 with tryptophan.
Molecular consequence: missense variant. On other transcripts: non-coding transcript variant (1).
Genome position (GRCh38, 1-based): chr16:50,710,911, C>T. VCF-style: chr16-50710911-C-T. GRCh37 (hg19) VCF-style: chr16-50744822-C-T.
Other names: c.1000C>T, p.Arg334Trp (LRG_177t1, NM_022162.3); c.919C>T, p.Arg307Trp (NM_001293557.2); short protein forms R334W, R307W.
Identifiers: ClinVar variation 4696 (VCV000004696.56), dbSNP rs104895462, ClinGen allele CA117022.

ClinVar aggregate classification (germline): Pathogenic. Review status: criteria provided, multiple submitters, no conflicts (2 of 4 stars). 12 submissions from 12 submitters: Pathogenic (10). 2 of the submissions do not count toward it. Last evaluated 2026-03-09.

Conditions:
NOD2-related disorder. Also called: NOD2-related condition.
Inflammatory bowel disease 1 (IBD1). Also called: Inflammatory bowel disease 1, Crohn disease; INFLAMMATORY BOWEL DISEASE (CROHN DISEASE) 1. Identifiers: MedGen CN260071, MONDO:0009960, OMIM 266600.
Blau syndrome (BLAUS). Also called: ARTHROCUTANEOUVEAL GRANULOMATOSIS; GRANULOMATOSIS, FAMILIAL JUVENILE SYSTEMIC; GRANULOMATOSIS, FAMILIAL, BLAU TYPE; GRANULOMATOUS INFLAMMATORY ARTHRITIS, DERMATITIS, AND UVEITIS, FAMILIAL; JABS SYNDROME. Identifiers: Orphanet 90340, MedGen C5201146, MONDO:0008523, OMIM 186580.
Yao syndrome. Also called: Susceptibility to Yao syndrome. Identifiers: MedGen C4310620, MONDO:0015019, OMIM 617321.
Regional enteritis. Also called: Enteritis, Granulomatous. Identifiers: MedGen C0678202, MeSH D003424.
Inborn genetic diseases. Identifiers: MedGen C0950123, MeSH D030342.

Allele frequency attached by ClinVar (database versions not stated): gnomAD exomes below 0.00001.

Submissions (12):

Ambry Genetics
Classification: Pathogenic for Inborn genetic diseases. Last evaluated: 2026-03-09. Review status: criteria provided, single submitter. Criteria: Ambry Variant Classification Scheme 2023. Collection method: clinical testing. Allele origin: germline.
Comment: The c.1000C>T (p.R334W) alteration is located in exon 4 (coding exon 4) of the NOD2 gene. This alteration results from a C to T substitution at nucleotide position 1000, causing the arginine (R) at amino acid position 334 to be replaced by a tryptophan (W). This variant was not reported in population-based cohorts in the Genome Aggregation Database (gnomAD). This variant was reported in individual(s) with features consistent with Blau syndrome; in at least one individual, it was determined to be de novo (Miceli-Richard, 2001; Mar&iacute;n-Noriega, 2020; Baisya, 2023; Brichova, 2024). This amino acid position is well conserved in available vertebrate species. Other variant(s) at the same codon, c.1001G>A (p.R334Q), have been identified in individual(s) with features consistent with Blau syndrome (Miceli-Richard, 2001; Mensa-Vilaro, 2016; Brichova, 2024). This alteration is predicted to be deleterious by in silico analysis. Based on the available evidence, this alteration is classified as pathogenic.

Labcorp Genetics (formerly Invitae), Labcorp
Classification: Pathogenic for Regional enteritis; Blau syndrome. Last evaluated: 2025-11-25. Review status: criteria provided, single submitter. Criteria: Invitae Variant Classification Sherloc (09022015). Collection method: clinical testing. Allele origin: germline.
Comment: This sequence change replaces arginine, which is basic and polar, with tryptophan, which is neutral and slightly polar, at codon 334 of the NOD2 protein (p.Arg334Trp). This variant is not present in population databases (gnomAD no frequency). This missense change has been observed in individual(s) with Blau syndrome (PMID: 11528384, 14522785, 15459013, 17157607, 17207093, 20199415, 22509093, 24713464, 25416713). In at least one individual the variant was observed to be de novo. It has also been observed to segregate with disease in related individuals. ClinVar contains an entry for this variant (Variation ID: 4696). Invitae Evidence Modeling of protein sequence and biophysical properties (such as structural, functional, and spatial information, amino acid conservation, physicochemical variation, residue mobility, and thermodynamic stability) indicates that this missense variant is expected to disrupt NOD2 protein function with a positive predictive value of 95%. Experimental studies have shown that this missense change affects NOD2 function (PMID: 15044951, 15459013). For these reasons, this variant has been classified as Pathogenic.

Blueprint Genetics
Classification: Pathogenic for NOD2-related disorders. Last evaluated: 2023-09-13. Review status: criteria provided, single submitter. Criteria: ACMG Guidelines, 2015. Collection method: clinical testing. Allele origin: germline. Affected: yes. Observed: 3 variant alleles.

Neuberg Centre For Genomic Medicine, NCGM
Classification: Pathogenic for Blau syndrome. Last evaluated: 2023-07-22. Review status: criteria provided, single submitter. Criteria: ACMG Guidelines, 2015. Collection method: clinical testing. Allele origin: germline. Inheritance: Autosomal dominant inheritance. Affected: yes.
Comment: The observed missense c.919C>Tp.Arg307Trp variant in NOD2 gene has been reported previously in heterozygous state in multiple individuals affected with Blau syndrome Rosé CD, et al., 2015; Ikeda K, et al., 2014; Xiang H, et al., 2012; Milman N, et al., 2006. This variant has also been observed to segregate with disease in related individuals. Experimental studies have shown that this missense change affects NOD2 function Tanabe T, et al., 2004. The p.Arg307Trp variant is absent in gnomAD Exomes. This variant has been submitted to the ClinVar database as Pathogenic multiple submissions. Multiple lines of computational evidences Polyphen - Probably damaging, SIFT - Damaging and MutationTaster - Disease causing predict a damaging effect on protein structure and function for this variant. The reference amino acid change at this posiiton on NOD2 gene is predicted as conserved by GERP++ and PhyloP across 100 vertebrates. The amino acid Arg at position 307 is changed to a Trp changing protein sequence and it might alter its composition and physico-chemical properties. For these reasons, this variant has been classified as Pathogenic.

GeneDx
Classification: Pathogenic. Last evaluated: 2023-03-02. Review status: criteria provided, single submitter. Criteria: GeneDx Variant Classification Process June 2021. Collection method: clinical testing. Allele origin: germline.
Comment: Reported as a common pathogenic variant and observed in multiple unrelated patients from different ethnic backgrounds with Blau syndrome in published literature (PMID: 25416713, 11528384, 17372104, 30574935, 31120540); Segregates with disease in affected individuals from several unrelated families in published literature (PMID: 11528384, 25416713, 30574935); Published functional studies demonstrate a gain of function effect resulting in hyperactivation of the receptor (PMID: 25093298); In silico analysis supports that this missense variant has a deleterious effect on protein structure/function; Not observed at significant frequency in large population cohorts (gnomAD); This variant is associated with the following publications: (PMID: 32597225, 32881073, 32647028, 14522785, 17069729, 20199415, 22509093, 17916199, 28721627, 32707200, 17157607, 32346654, 31543536, 33923123, 34093558, 22377804, 24713464, 25429073, 31120540, 17372104, 30574935, 37604356, 34565750, 33042144, 35314268, 11528384, 25093298, 25416713)

Mayo Clinic Laboratories, Mayo Clinic
Classification: Pathogenic. Last evaluated: 2022-07-20. Review status: criteria provided, single submitter. Criteria: ACMG Guidelines, 2015. Collection method: clinical testing. Allele origin: germline. Observed: 2 variant alleles.
Comment: PP1_strong, PM2_supporting, PM5, PM6_strong, PS3, PS4

CeGaT Center for Human Genetics Tuebingen
Classification: Pathogenic. Last evaluated: 2022-05-01. Review status: criteria provided, single submitter. Criteria: CeGaT Center For Human Genetics Tuebingen Variant Classification Criteria Version 2. Collection method: clinical testing. Allele origin: germline. Affected: yes. Observed: 1 variant allele.
Comment: NOD2: PM2, PM5, PM6, PP1:Moderate, PP4, PS4:Supporting

Juno Genomics, Hangzhou Juno Genomics, Inc
Classification: Pathogenic for Inflammatory bowel disease 1; Yao syndrome; Blau syndrome. Review status: criteria provided, single submitter. Criteria: ACMG Guidelines, 2015. Collection method: clinical testing. Allele origin: germline.
Comment: Absent from controls (or at extremely low frequency if recessive) in Genome Aggregation Database.;The prevalence of the variant in affected individuals is significantly increased compared to the prevalence in controls.;Patient's phenotype or family history is highly specific for a disease with a single genetic etiology.;Assumed de novo, but without confirmation of paternity and maternity.;Novel missense change at an amino acid residue where a different missense change determined to be pathogenic has been seen before.;Multiple lines of computational evidence support a deleterious effect on the gene or gene product.

Kasturba Medical College, Manipal, Kasturba Medical College, Manipal, Manipal Academy of Higher Education, Manipal, India
Classification: Pathogenic for Blau syndrome. Review status: criteria provided, single submitter. Criteria: ACMG Guidelines, 2015. Collection method: research. Allele origin: germline. Affected: yes.

Lifecell International Pvt. Ltd
Classification: Pathogenic for Blau syndrome. Review status: criteria provided, single submitter. Criteria: ACMG Guidelines, 2015. Collection method: clinical testing. Allele origin: germline. Inheritance: Autosomal dominant inheritance. Affected: yes. Observed: 1 heterozygote.
Comment: A Heterozygous Missense variant c.1000C>T in Exon 4 of the NOD2 gene that results in the amino acid substitution p.Arg334Trp was identified. The observed variantis novel in gnomAD exomes and genomes. The severity of the impact of this variant on the protein is medium, based on the effect of the protein and REVEL score . Rare Exome Variant Ensemble Learner (REVEL) is an ensembl method for predicting the pathogenicity of missense variants based on a combination of scores from 13 individual tools: MutPred, FATHMM v2.3, VEST 3.0, PolyPhen-2, SIFT, PROVEAN, MutationAssessor, MutationTaster, LRT, GERP++, SiPhy, phyloP, and phastCons. The REVEL score for an individual missense variant can range from 0 to 1, with higher scores reflecting greater likelihood that the variant is disease-causing. ClinVar has also classified this variant as Pathogenic [Variant ID : 4696] The observed variation has previously been reported for Blau syndrome by Janarthanan, Mahesh, et al., 2019. Experimental studies have shown that this missense change affects NOD2 function by Tanabe, Tsuyoshi, et al., 2004. For these reasons this variant has been classified as Pathogenic.

OMIM
Classification: Pathogenic for BLAU SYNDROME. Last evaluated: 2008-11-01. Review status: no assertion criteria provided. Collection method: literature only. Allele origin: germline. Not counted in ClinVar's aggregate classification.

Unité médicale des maladies autoinflammatoires, CHRU Montpellier
No classification provided. Condition: Sarcoidosis, early-onset. Review status: no classification provided. Collection method: not provided. Allele origin: unknown. Not counted in ClinVar's aggregate classification.
Comment: also involved in OMIM 186580 and 266600

Literature cited by the submitters: PubMed 11528384 (cited by 3 submitters); PubMed 26606664 (cited by Ambry Genetics); PubMed 32346654 (cited by Ambry Genetics and Mayo Clinic Laboratories, Mayo Clinic); PubMed 37604356 (cited by Ambry Genetics); PubMed 38927735 (cited by Ambry Genetics); PubMed 14522785 (cited by Labcorp Genetics (formerly Invitae), Labcorp); PubMed 15459013 (cited by Labcorp Genetics (formerly Invitae), Labcorp and OMIM); PubMed 17157607 (cited by Labcorp Genetics (formerly Invitae), Labcorp); PubMed 17207093 (cited by Labcorp Genetics (formerly Invitae), Labcorp); PubMed 20199415 (cited by Labcorp Genetics (formerly Invitae), Labcorp); PubMed 22509093 (cited by Labcorp Genetics (formerly Invitae), Labcorp); PubMed 24713464 (cited by Labcorp Genetics (formerly Invitae), Labcorp); PubMed 25416713 (cited by Labcorp Genetics (formerly Invitae), Labcorp); PubMed 15044951 (cited by Labcorp Genetics (formerly Invitae), Labcorp and Lifecell International Pvt. Ltd); PubMed 32647028 (cited by Mayo Clinic Laboratories, Mayo Clinic); PubMed 30574935 (cited by Lifecell International Pvt. Ltd); PubMed 15086578 (cited by OMIM); PubMed 9124059 (cited by OMIM); PubMed 18955195 (cited by OMIM).